The following is an entry in ClinVar:

ClinVar aggregate classification (germline): Uncertain significance (1 of 4 stars; one submission).

Conditions:
Granulomatous disease, chronic, X-linked. Also called: GRANULOMATOUS DISEASE, CHRONIC, X-LINKED, SOMATIC MOSAIC; CYTOCHROME b-NEGATIVE GRANULOMATOUS DISEASE, CHRONIC, X-LINKED. Identifiers: Orphanet 379, MedGen C1844376, MONDO:0010600, OMIM 306400.

Submission:

Labcorp Genetics (formerly Invitae), Labcorp
Classification: Uncertain significance for Granulomatous disease, chronic, X-linked. Last evaluated: 2024-03-18. Review status: criteria provided, single submitter. Criteria: Invitae Variant Classification Sherloc (09022015). Collection method: clinical testing. Allele origin: germline.
Comment: This variant occurs in a non-coding region of the CYBB gene. It does not change the encoded amino acid sequence of the CYBB protein. The frequency data for this variant in the population databases is considered unreliable, as metrics indicate insufficient coverage at this position in the gnomAD database. This variant has not been reported in the literature in individuals affected with CYBB-related conditions. Experimental studies and prediction algorithms are not available or were not evaluated, and the functional significance of this variant is currently unknown. In summary, the available evidence is currently insufficient to determine the role of this variant in disease. Therefore, it has been classified as a Variant of Uncertain Significance.

NC_000023.11:g.37780010T>C

Gene: CYBB (cytochrome b-245 beta chain; plus strand). Cytogenetic location: Xp21.1.
Variant type: single nucleotide variant.
Genome position: GRCh38 VCF-style: chrX-37780010-T-C. GRCh37 (hg19) VCF-style: chrX-37639263-T-C.
Identifiers: ClinVar variation 3606706 (VCV003606706.2).
Genomic context (GRCh38, chrX:37,780,010, plus strand): 5'-TTATTAGCCAATTTCTGATAAAAGAAAAGGAAACCGATTGCCCCAGGGCTGCTGTTTTCA[T>C]TTCCTCATTGGAAGAAGAAGCATAGTATAGAAGAAAGGCAAACACAACACATTCAACCTC-3'